The following is an entry in ClinVar:

NM_001387430.1(SH2B1):c.605C>T (p.Ser202Phe)

Gene: SH2B1 (SH2B adaptor protein 1; plus strand). Cytogenetic location: 16p11.2.
Variant type: single nucleotide variant.
Coding change: c.605C>T on transcript NM_001387430.1 (MANE Select); coding-DNA position 605, C replaced by T.
Protein change: p.Ser202Phe; replaces serine 202 with phenylalanine.
Molecular consequence: missense variant. On other transcripts: intron variant (1).
Genome position (GRCh38, 1-based): chr16:28,866,699, C>T. VCF-style: chr16-28866699-C-T. GRCh37 (hg19) VCF-style: chr16-28878020-C-T.
Other names: c.605C>T, p.Ser202Phe (NM_001145795.2, NM_001145796.2, NM_001145797.2 and 4 more transcripts); c.-26-675C>T (NM_001308294.2); short protein forms S202F.
Identifiers: ClinVar variation 3354635 (VCV003354635.1).

ClinVar aggregate classification (germline): Uncertain significance (0 of 4 stars; one submission).

Conditions:
SH2B1-related disorder. Also called: SH2B1-related condition.

gnomAD v4.1: 10 of 1,596,946 alleles (0.00063%); highest among the groups gnomAD compares: Admixed American, 0.0034%; no homozygotes.

Submission:

PreventionGenetics, part of Exact Sciences
Classification: Uncertain significance for SH2B1-related condition. Last evaluated: 2024-05-31. Review status: no assertion criteria provided. Collection method: clinical testing. Allele origin: germline.
Comment: The SH2B1 c.605C>T variant is predicted to result in the amino acid substitution p.Ser202Phe. To our knowledge, this variant has not been reported in the literature. This variant is reported in 0.0062% of alleles in individuals of African descent in gnomAD. At this time, the clinical significance of this variant is uncertain due to the absence of conclusive functional and genetic evidence.